The following is an entry in ClinVar:

NM_022437.3(ABCG8):c.1895T>C (p.Val632Ala)

Gene: ABCG8 (ATP binding cassette subfamily G member 8; plus strand). Cytogenetic location: 2p21.
Variant type: single nucleotide variant.
Coding change: c.1895T>C on transcript NM_022437.3 (MANE Select); coding-DNA position 1895, T replaced by C.
Protein change: p.Val632Ala; replaces valine 632 with alanine.
Molecular consequence: missense variant.
Genome position (GRCh38, 1-based): chr2:43,877,786, T>C. VCF-style: chr2-43877786-T-C. GRCh37 (hg19) VCF-style: chr2-44104925-T-C.
Other names: c.1892T>C, p.Val631Ala (NM_001357321.2); short protein forms V632A, V631A.
Identifiers: ClinVar variation 336092 (VCV000336092.34), dbSNP rs6544718, ClinGen allele CA1637715.
Genomic context (GRCh38, chr2:43,877,786, plus strand): 5'-GTCCGGCTTTCCATCCTCCTCATGAGCCCACTGCATGTCTGTGTCTCCAGATCCTCAGTG[T>C]CATGGAGCTGGACTCGTACCCTCTCTACGCCATCTACCTCATCGTCATTGGCCTCAGCGG-3'
Protein context (NP_071882.1, residues 622-642): IAVSGDKILS[Val632Ala]MELDSYPLYA

ClinVar aggregate classification (germline): Benign. Review status: criteria provided, multiple submitters, no conflicts (2 of 4 stars). 14 submissions from 14 submitters: Benign (11). 3 of the submissions do not count toward it. Last evaluated 2026-02-04.

Conditions:
Sitosterolemia 1. Identifiers: MedGen C2749759, MONDO:0020747, OMIM 210250.
Cardiovascular phenotype. Identifiers: MedGen CN230736.

Allele frequency attached by ClinVar (database versions not stated): ESP Exome Variant Server 0.83723; TOPMed 0.86128; 1000 Genomes Project 30x 0.92021; 1000 Genomes Project 0.92292.
gnomAD v4.1: 1,297,076 of 1,614,012 alleles (80%); highest among the groups gnomAD compares: East Asian, 100%; 524,666 homozygotes.

Submissions (14):

Labcorp Genetics (formerly Invitae), Labcorp
Classification: Benign. Last evaluated: 2026-02-04. Review status: criteria provided, single submitter. Criteria: Invitae Variant Classification Sherloc (09022015). Collection method: clinical testing. Allele origin: germline.

Molecular Diagnostic Laboratory for Inherited Cardiovascular Disease, Montreal Heart Institute
Classification: Benign. Last evaluated: 2025-04-09. Review status: criteria provided, single submitter. Criteria: ACMG Guidelines, 2015. Collection method: clinical testing. Allele origin: germline. Affected: no.

Blueprint Genetics
Classification: Benign. Last evaluated: 2024-11-26. Review status: criteria provided, single submitter. Criteria: ACMG Guidelines, 2015. Collection method: clinical testing. Allele origin: germline.

Mayo Clinic Laboratories, Mayo Clinic
Classification: Benign. Last evaluated: 2024-05-23. Review status: criteria provided, single submitter. Criteria: ACMG Guidelines, 2015. Collection method: clinical testing. Allele origin: germline. Observed: 2,286 variant alleles.
Comment: BA1, BS1, BS2, BP4

Women's Health and Genetics/Laboratory Corporation of America, LabCorp
Classification: Benign. Last evaluated: 2023-04-04. Review status: criteria provided, single submitter. Criteria: LabCorp Variant Classification Summary - May 2015. Collection method: clinical testing. Allele origin: germline.

Genome-Nilou Lab
Classification: Benign for Sitosterolemia 1. Last evaluated: 2021-07-14. Review status: criteria provided, single submitter. Criteria: ACMG Guidelines, 2015. Collection method: clinical testing. Allele origin: germline. Affected: no.

Ambry Genetics
Classification: Benign for Cardiovascular phenotype. Last evaluated: 2018-12-03. Review status: criteria provided, single submitter. Criteria: Ambry Variant Classification Scheme 2023. Collection method: clinical testing. Allele origin: germline.

GeneDx
Classification: Benign. Last evaluated: 2018-07-05. Review status: criteria provided, single submitter. Criteria: GeneDx Variant Classification Process June 2021. Collection method: clinical testing. Allele origin: germline. Affected: yes.
Comment: This variant is associated with the following publications: (PMID: 16980816, 11893785, 20581104)

Eurofins Ntd Llc (ga)
Classification: Benign. Last evaluated: 2018-05-14. Review status: criteria provided, single submitter. Criteria: EGL ClinVar v180209 classification definitions. Collection method: clinical testing. Allele origin: germline. Observed: 1 variant allele, 1 heterozygote.

Illumina Laboratory Services, Illumina
Classification: Benign for Sitosterolemia 1. Last evaluated: 2018-03-06. Review status: criteria provided, single submitter. Criteria: ICSL Variant Classification Criteria 13 December 2019. Collection method: clinical testing. Allele origin: germline.
Comment: This variant was observed in the ICSL laboratory as part of a predisposition screen in an ostensibly healthy population. It had not been previously curated by ICSL or reported in the Human Gene Mutation Database (HGMD: prior to June 1st, 2018), and was therefore a candidate for classification through an automated scoring system. Utilizing variant allele frequency, disease prevalence and penetrance estimates, and inheritance mode, an automated score was calculated to assess if this variant is too frequent to cause the disease. Based on the score and internal cut-off values, a variant classified as benign is not then subjected to further curation. The score for this variant resulted in a classification of benign for this disease.

Breakthrough Genomics
Classification: Benign. Review status: criteria provided, single submitter. Criteria: ACMG Guidelines, 2015. Collection method: not provided. Allele origin: germline. Inheritance: Autosomal recessive inheritance. Affected: yes.

Clinical Genetics, Academic Medical Center
Classification: Benign. Review status: no assertion criteria provided. Collection method: clinical testing. Allele origin: germline. Affected: yes. Study: VKGL Data-share Consensus. Not counted in ClinVar's aggregate classification.

Diagnostic Laboratory, Department of Genetics, University Medical Center Groningen
Classification: Benign. Review status: no assertion criteria provided. Collection method: clinical testing. Allele origin: germline. Affected: yes. Study: VKGL Data-share Consensus. Not counted in ClinVar's aggregate classification.

Joint Genome Diagnostic Labs from Nijmegen and Maastricht, Radboudumc and MUMC+
Classification: Benign. Review status: no assertion criteria provided. Collection method: clinical testing. Allele origin: germline. Affected: yes. Study: VKGL Data-share Consensus. Not counted in ClinVar's aggregate classification.